The following is an entry in ClinVar:

NM_001278.5(CHUK):c.548G>C (p.Gly183Ala)

Gene: CHUK (component of inhibitor of nuclear factor kappa B kinase complex; minus strand). Cytogenetic location: 10q24.31.
Variant type: single nucleotide variant.
Coding change: c.548G>C on transcript NM_001278.5 (MANE Select); coding-DNA position 548, G replaced by C.
Protein change: p.Gly183Ala; replaces glycine 183 with alanine.
Molecular consequence: missense variant.
Genome position (GRCh38, 1-based): chr10:100,219,286, C>G on the plus strand (G>C on the coding strand, the complement: CHUK is on the minus strand). VCF-style: chr10-100219286-C-G. GRCh37 (hg19) VCF-style: chr10-101979043-C-G.
Other names: c.548G>C, p.Gly183Ala (NM_001320928.2); short protein forms G183A.
Identifiers: ClinVar variation 1499442 (VCV001499442.6), dbSNP rs2134244139, ClinGen allele CA378155038.

ClinVar aggregate classification (germline): Uncertain significance (1 of 4 stars; one submission).

Submission:

Labcorp Genetics (formerly Invitae), Labcorp
Classification: Uncertain significance. Last evaluated: 2022-03-02. Review status: criteria provided, single submitter. Criteria: Invitae Variant Classification Sherloc (09022015). Collection method: clinical testing. Allele origin: germline.
Comment: This sequence change replaces glycine, which is neutral and non-polar, with alanine, which is neutral and non-polar, at codon 183 of the CHUK protein (p.Gly183Ala). This variant is not present in population databases (gnomAD no frequency). This variant has not been reported in the literature in individuals affected with CHUK-related conditions. Algorithms developed to predict the effect of missense changes on protein structure and function are either unavailable or do not agree on the potential impact of this missense change (SIFT: "Not Available"; PolyPhen-2: "Probably Damaging"; Align-GVGD: "Not Available"). In summary, the available evidence is currently insufficient to determine the role of this variant in disease. Therefore, it has been classified as a Variant of Uncertain Significance.